The following is an entry in ClinVar:

NM_016151.4(TAOK2):c.87T>C (p.Ser29=)

Gene: TAOK2 (TAO kinase 2; plus strand). Cytogenetic location: 16p11.2.
Variant type: single nucleotide variant.
Coding change: c.87T>C on transcript NM_016151.4 (MANE Select); coding-DNA position 87, T replaced by C.
Protein change: p.Ser29=; no amino-acid change (serine 29 retained).
Molecular consequence: synonymous variant.
Genome position (GRCh38, 1-based): chr16:29,977,859, T>C. VCF-style: chr16-29977859-T-C. GRCh37 (hg19) VCF-style: chr16-29989180-T-C.
Other names: c.87T>C, p.Ser29= (NM_001252043.2, NM_004783.4); c.87T>C (NM_016151.3).
Identifiers: ClinVar variation 1557063 (VCV001557063.10), dbSNP rs763384286, ClinGen allele CA7997706.
Genomic context (GRCh38, chr16:29,977,859, plus strand): 5'-CCTGAAGGACCCAGATGTGGCTGAGCTCTTCTTCAAGGATGACCCAGAAAAGCTCTTCTC[T>C]GACCTCCGGGAAATTGGCCATGGCAGCTTTGGAGCCGTATACTTTGTGAGTTGGGTCTTG-3'
Protein context (NP_057235.2, residues 19-39): FFKDDPEKLF[Ser29=]DLREIGHGSF

ClinVar aggregate classification (germline): Likely benign. Review status: criteria provided, single submitter (1 of 4 stars). 2 submissions from 2 submitters: Likely benign (1). 1 of the submissions does not count toward it. Last evaluated 2026-01-26.

Conditions:
TAOK2-related disorder. Also called: TAOK2-related condition.

Allele frequency attached by ClinVar (database versions not stated): gnomAD exomes 0.00001 and 0.00004; ExAC 0.00003; gnomAD 0.00009 and 0.00011; TOPMed 0.00011.
gnomAD v4.1: 101 of 1,614,074 alleles (0.0063%); highest among the groups gnomAD compares: East Asian, 0.038%; 1 homozygote.

Submissions (2):

Labcorp Genetics (formerly Invitae), Labcorp
Classification: Likely benign. Last evaluated: 2026-01-26. Review status: criteria provided, single submitter. Criteria: Invitae Variant Classification Sherloc (09022015). Collection method: clinical testing. Allele origin: germline.

PreventionGenetics, part of Exact Sciences
Classification: Likely benign for TAOK2-related condition. Last evaluated: 2019-03-11. Review status: no assertion criteria provided. Collection method: clinical testing. Allele origin: germline. Not counted in ClinVar's aggregate classification.
Comment: This variant is classified as likely benign based on ACMG/AMP sequence variant interpretation guidelines (Richards et al. 2015 PMID: 25741868, with internal and published modifications).